The following is an entry in ClinVar:

ClinVar aggregate classification (germline): Pathogenic. Review status: reviewed by expert panel (3 of 4 stars). 13 submissions from 13 submitters: Pathogenic (1). 12 of the submissions do not count toward it. Last evaluated 2024-06-25.

Conditions:
VHL-related disorder. Also called: VHL-related condition.
Hereditary cancer-predisposing syndrome. Also called: Tumor predisposition; Neoplastic Syndromes, Hereditary; Hereditary neoplastic syndrome; Hereditary Cancer Syndrome. Identifiers: Orphanet 140162, MedGen C0027672, MeSH D009386, MONDO:0015356.
Chuvash polycythemia. Also called: POLYCYTHEMIA, VHL-DEPENDENT. Identifiers: Orphanet 238557, MedGen C1837915, MONDO:0009892, OMIM 263400.
Von Hippel-Lindau syndrome (VHLS). Also called: Von Hippel-Lindau; von Hippel–Lindau syndrome; VHL syndrome. Identifiers: Orphanet 892, MedGen C0019562, MONDO:0008667, OMIM 193300. Disease mechanism: loss of function.

Allele frequency attached by ClinVar (database versions not stated): gnomAD exomes below 0.00001.

Submissions 1 to 8 of 13:

ClinGen VHL Variant Curation Expert Panel, ClinGen
Classification: Pathogenic for Von Hippel-Lindau syndrome. Last evaluated: 2024-06-25. Review status: reviewed by expert panel. Criteria: ClinGen VHL VCEP ACMG Specifications VHL V1. Collection method: curation. Allele origin: germline. Inheritance: Autosomal dominant inheritance.
Comment: The NM_000551.4(VHL):c.194C>G (p.Ser65Trp) variant in VHL is a missense variant predicted to cause substitution of Ser by Trp at amino acid 65 (p.Ser65Trp). The CIViC database describes 17 unrelated individuals with clinically diagnosed VHL or cancers in VHL cancer spectrum, many with evidence of VHL in family history. The following PMIDs were used for proband counting (2 unrelated probands or families where noted, all others 1) 28650583(2pt), 17024664, 17392848, 28388566(2pt), 29294023(2pt), 22156657, 23407287, 9829911, 7728151, 18446368, 22357542, 11148816, 21463266, 20518900. In addition, 3 participating laboratories contributed a total of 5 unique subjects. Each subject was evaluated for meeting Danish, Consistent or Nonspecific and a total of 13.5 points was awarded, which constitutes strong evidence. (PS4_Met). 7 relatives (parents and siblings) were tested for S65W, and it was not identified. The authors do not note confirming maternity/paternity. PMID: 26622630 (PM6_Met). There is one variant present in gnomAD v4.1.0. The GroupMax Filtering Allele Frequency (95% CI) in gnomAD v4.1.0 is not calculated. PM2_Supporting can be applied for variants with <= 0.0000015 (0.00015%) frequency in gnomAD, or if no GroupMax Filtering Allele Frequency is calculated (due to a single variant present) (PM2_Supporting). S65W significantly decreases the VHL protein binding to HIF-1alpha, preventing ubiquitination PMID: 15611064 (PS3_Supporting). This variant resides within the VHL beta domain, a key functional domain. It is also defined as a mutational hotspot in Chinese populations (PMID:31620170) (PM1_Met). The computational predictor REVEL gives a score of 0.943, which is above the threshold of >0.664, evidence that correlates with impact to VHL function (PP3_Met). In summary, this variant meets the criteria to be classified as Pathogenic for autosomal-dominant von Hippel-Lindau disease (VHL disease) based on the ACMG/AMP criteria applied, as specified by the ClinGen VHL VCEP Version 1.0 (Specifications approval date: 02/26/2024. Variant Approval Date 06/25/2024).

Center for Genomic Medicine, Rigshospitalet, Copenhagen University Hospital
Classification: Pathogenic. Last evaluated: 2025-03-04. Review status: criteria provided, single submitter. Criteria: ACMG Guidelines, 2015. Collection method: clinical testing. Allele origin: germline. Not counted in ClinVar's aggregate classification.

Labcorp Genetics (formerly Invitae), Labcorp
Classification: Pathogenic for Von Hippel-Lindau syndrome; Chuvash polycythemia. Last evaluated: 2024-09-15. Review status: criteria provided, single submitter. Criteria: Invitae Variant Classification Sherloc (09022015). Collection method: clinical testing. Allele origin: germline. Not counted in ClinVar's aggregate classification.
Comment: This sequence change replaces serine, which is neutral and polar, with tryptophan, which is neutral and slightly polar, at codon 65 of the VHL protein (p.Ser65Trp). This variant is not present in population databases (gnomAD no frequency). This missense change has been observed in individuals with Von Hippel-Lindau (VHL) syndrome (PMID: 7728151, 7987306, 8730290, 9829911, 10567493, 17024664, 22799452, 23384228). This variant is also known as Ser136Trp. ClinVar contains an entry for this variant (Variation ID: 43597). Invitae Evidence Modeling of protein sequence and biophysical properties (such as structural, functional, and spatial information, amino acid conservation, physicochemical variation, residue mobility, and thermodynamic stability) indicates that this missense variant is expected to disrupt VHL protein function with a positive predictive value of 95%. Experimental studies have shown that this missense change affects VHL function (PMID: 11331613, 15611064, 16669786, 18544564, 19602254). This variant disrupts the p.Ser65 amino acid residue in VHL. Other variant(s) that disrupt this residue have been determined to be pathogenic (PMID: 10567493, 12114495, 15611064, 22799452, 25282218). This suggests that this residue is clinically significant, and that variants that disrupt this residue are likely to be disease-causing. For these reasons, this variant has been classified as Pathogenic.

Myriad Genetics, Inc.
Classification: Pathogenic for Von Hippel-Lindau syndrome. Last evaluated: 2024-02-22. Review status: criteria provided, single submitter. Criteria: Myriad Autosomal Dominant, Autosomal Recessive and X-Linked Classification Criteria (2023). Collection method: clinical testing. Allele origin: unknown. Not counted in ClinVar's aggregate classification.
Comment: This variant is considered pathogenic. Functional studies indicate this variant impacts protein function [PMID: 35505422, 15611064]. This variant is expected to disrupt protein structure [Myriad internal data]. This variant has been reported in multiple individuals with clinical features of gene-specific disease [PMID: 35505422, 18446368, 28650583, 34566400, 35466127].

Institute for Genomic Medicine (IGM) Clinical Laboratory, Nationwide Children's Hospital
Classification: Pathogenic for Von Hippel-Lindau syndrome. Last evaluated: 2023-12-12. Review status: criteria provided, single submitter. Criteria: ACMG Guidelines, 2015. Collection method: clinical testing. Allele origin: germline. Not counted in ClinVar's aggregate classification.
Comment: Well-established functional studies have demonstrated this variant to have a damaging effect on protein function or splicing (ACMG/AMP: PS3; PMIDs:11331613, 15611064, 18544564). This variant has been reported at an elevated frequency in affected individuals/in multiple affected individuals in the literature (ACMG/AMP: PS4; PMIDs:8730290, 10567493, 11331613, 15611064, 22799452). This variant is absent from or present at an exceedingly low frequency in gnomAD, a large-scale control population database (ACMG/AMP: PM2). A different substitution at this amino acid position has been reported as pathogenic (ACMG/AMP: PM5). This variant occurs in a gene with a low rate of benign missense variation, in which missense alterations are a common mechanism of disease (ACMG/AMP: PP2). This variant is predicted to alter protein function or structure, or disrupt splicing by multiple in silico tools (ACMG/AMP: PP3).

GeneDx
Classification: Pathogenic. Last evaluated: 2023-06-26. Review status: criteria provided, single submitter. Criteria: GeneDx Variant Classification Process June 2021. Collection method: clinical testing. Allele origin: germline. Affected: yes. Not counted in ClinVar's aggregate classification.
Comment: Published functional studies demonstrate a damaging effect: decreased VHL protein binding to HIF-1alpha, preventing ubiquitination (Miller 2005); Observed in multiple individuals with history consistent with pathogenic variants in this gene referred for genetic testing at GeneDx and in published literature (Stolle 1998, Hes 2007, Dandanell 2012); Not observed at significant frequency in large population cohorts (gnomAD); In silico analysis supports that this missense variant has a deleterious effect on protein structure/function; This variant is associated with the following publications: (PMID: 17661816, 20233476, 27527340, 26622630, 30731206, 23384228, 18544564, 15611064, 9829911, 19602254, 22799452, 10567493, 24444636, 8730290, 25563310, 7987306, 15881703, 31176917, 30522901, 31620170)

Clinical Genetics Laboratory, Skane University Hospital Lund
Classification: Pathogenic. Last evaluated: 2022-07-13. Review status: criteria provided, single submitter. Criteria: ACMG Guidelines, 2015. Collection method: clinical testing. Allele origin: germline. Affected: yes. Not counted in ClinVar's aggregate classification.

Ambry Genetics
Classification: Pathogenic for Hereditary cancer-predisposing syndrome. Last evaluated: 2021-10-07. Review status: criteria provided, single submitter. Criteria: Ambry Variant Classification Scheme 2023. Collection method: clinical testing. Allele origin: germline. Not counted in ClinVar's aggregate classification.
Comment: The p.S65W pathogenic mutation (also known as c.194C>G), located in coding exon 1 of the VHL gene, results from a C to G substitution at nucleotide position 194. The serine at codon 65 is replaced by tryptophan, an amino acid with highly dissimilar properties This alteration has been reported as a germline mutation in many families affected with von Hippel-Lindau (VHL) syndrome that had no history of pheochromocytomas (Zbar et al. Hum Mutat. 1996;8(4):348-57; Crossey et al. Hum Mol Genet. 1994 Aug;3(8):1303-8; Ong et al. Hum Mutat. 2007 Feb;28(2):143-9; Zhang et al. J Cancer Res Clin Oncol. 2008 Nov;134(11):1211-8; Zhou et al. Pathol Int. 2010 Jun;60(6):452-8; Hes FJ et al. Clin. Genet., 2007 Aug;72:122-9). Functional studies have indicated that the p.S65W mutation leads to severely compromised tight junctions and an unstable protein, therefore classifying it as a Type 1 VHL mutation (Bangiyeva et al. BMC Cancer. 2009 Jul 14;9:229). Note that this alteration is also referred to as c.407C>G in some published literature. Based on the available evidence, p.S65W is classified as a pathogenic mutation.

NM_000551.4(VHL):c.194C>G (p.Ser65Trp)

Gene: VHL (von Hippel-Lindau tumor suppressor; plus strand). Cytogenetic location: 3p25.3.
Variant type: single nucleotide variant.
Coding change: c.194C>G on transcript NM_000551.4 (MANE Select); coding-DNA position 194, C replaced by G.
Protein change: p.Ser65Trp; replaces serine 65 with tryptophan.
Molecular consequence: missense variant.
Genome position (GRCh38, 1-based): chr3:10,142,041, C>G. VCF-style: chr3-10142041-C-G. GRCh37 (hg19) VCF-style: chr3-10183725-C-G.
Other names: NM_000551.4(VHL):c.194C>G; c.194C>G, p.Ser65Trp (NM_001354723.2, NM_198156.3); short protein forms S65W.
Identifiers: ClinVar variation 43597 (VCV000043597.31), dbSNP rs5030826, ClinGen allele CA020099.